The following is an entry in ClinVar:

NM_001673.5(ASNS):c.250A>G (p.Met84Val)

Genes: ASNS (asparagine synthetase (glutamine-hydrolyzing); minus strand), CZ1P-ASNS (CZ1P-ASNS readthrough; minus strand). Cytogenetic location: 7q21.3.
Variant type: single nucleotide variant.
Coding change: c.250A>G on transcript NM_001673.5 (MANE Select); coding-DNA position 250, A replaced by G.
Protein change: p.Met84Val; replaces methionine 84 with valine.
Molecular consequence: missense variant. On other transcripts: non-coding transcript variant (1), initiator codon variant (2).
Genome position (GRCh38, 1-based): chr7:97,864,496, T>C on the plus strand (A>G on the coding strand, the complement: ASNS is on the minus strand). VCF-style: chr7-97864496-T-C. GRCh37 (hg19) VCF-style: chr7-97493808-T-C.
Other names: c.187A>G, p.Met63Val (NM_001178075.2); c.1A>G, p.Met1Val (NM_001178076.2, NM_001178077.1); c.250A>G, p.Met84Val (NM_001352496.2, NM_133436.3, NM_183356.4); short protein forms M1V, M63V, M84V.
Identifiers: ClinVar variation 1375384 (VCV001375384.6), dbSNP rs772499410, ClinGen allele CA4354801.

ClinVar aggregate classification (germline): Uncertain significance (1 of 4 stars; one submission).

gnomAD v4.1: 5 of 1,612,526 alleles (0.00031%); highest among the groups gnomAD compares: Non-Finnish European, 0.00042%; no homozygotes.

Submission:

Labcorp Genetics (formerly Invitae), Labcorp
Classification: Uncertain significance. Last evaluated: 2023-05-15. Review status: criteria provided, single submitter. Criteria: Invitae Variant Classification Sherloc (09022015). Collection method: clinical testing. Allele origin: germline.
Comment: In summary, the available evidence is currently insufficient to determine the role of this variant in disease. Therefore, it has been classified as a Variant of Uncertain Significance. An algorithm developed to predict the effect of missense changes on protein structure and function (PolyPhen-2) suggests that this variant¬† is likely to be tolerated. ClinVar contains an entry for this variant (Variation ID: 1375384). This variant has not been reported in the literature in individuals affected with ASNS-related conditions. The frequency data for this variant in the population databases is considered unreliable, as metrics indicate poor data quality at this position in the gnomAD database. This sequence change replaces methionine, which is neutral and non-polar, with valine, which is neutral and non-polar, at codon 84 of the ASNS protein (p.Met84Val).